The following is an entry in ClinVar:

NM_001291303.3(FAT4):c.9655A>C (p.Asn3219His)

Gene: FAT4 (FAT atypical cadherin 4; plus strand). Cytogenetic location: 4q28.1.
Variant type: single nucleotide variant.
Coding change: c.9655A>C on transcript NM_001291303.3 (MANE Select); coding-DNA position 9655, A replaced by C.
Protein change: p.Asn3219His; replaces asparagine 3219 with histidine.
Molecular consequence: missense variant.
Genome position (GRCh38, 1-based): chr4:125,450,665, A>C. VCF-style: chr4-125450665-A-C. GRCh37 (hg19) VCF-style: chr4-126371820-A-C.
Other names: c.9655A>C, p.Asn3219His (NM_001291285.3); c.9649A>C, p.Asn3217His (NM_024582.6); short protein forms N3219H, N3217H.
Identifiers: ClinVar variation 1349104 (VCV001349104.8), dbSNP rs2126059777, ClinGen allele CA358153109.

ClinVar aggregate classification (germline): Uncertain significance (1 of 4 stars; one submission).

Allele frequency attached by ClinVar (database versions not stated): gnomAD exomes below 0.00001.
gnomAD v4.1: 1 of 1,614,054 alleles (0.000062%); highest among the groups gnomAD compares: Non-Finnish European, 0.000085%; no homozygotes.

Submission:

Labcorp Genetics (formerly Invitae), Labcorp
Classification: Uncertain significance. Last evaluated: 2020-11-18. Review status: criteria provided, single submitter. Criteria: Invitae Variant Classification Sherloc (09022015). Collection method: clinical testing. Allele origin: germline.
Comment: Advanced modeling of protein sequence and biophysical properties (such as structural, functional, and spatial information, amino acid conservation, physicochemical variation, residue mobility, and thermodynamic stability) performed at Invitae indicates that this missense variant is not expected to disrupt FAT4 protein function. In summary, the available evidence is currently insufficient to determine the role of this variant in disease. Therefore, it has been classified as a Variant of Uncertain Significance. This variant has not been reported in the literature in individuals with FAT4-related conditions. This variant is not present in population databases (ExAC no frequency). This sequence change replaces asparagine with histidine at codon 3217 of the FAT4 protein (p.Asn3217His). The asparagine residue is highly conserved and there is a small physicochemical difference between asparagine and histidine.